The following is an entry in ClinVar:

ClinVar aggregate classification (germline): Likely benign. Review status: criteria provided, single submitter (1 of 4 stars). 2 submissions from 2 submitters: Likely benign (1). 1 of the submissions does not count toward it. Last evaluated 2022-03-01.

Conditions:
PLXNA3-related disorder. Also called: PLXNA3-related condition.

Allele frequency attached by ClinVar (database versions not stated): gnomAD 0.00004; ExAC 0.00006.
gnomAD v4.1: 69 of 1,183,700 alleles (0.0058%); highest among the groups gnomAD compares: Admixed American, 0.012%; no homozygotes.

Submissions (2):

CeGaT Center for Human Genetics Tuebingen
Classification: Likely benign. Last evaluated: 2022-03-01. Review status: criteria provided, single submitter. Criteria: CeGaT Center For Human Genetics Tuebingen Variant Classification Criteria Version 2. Collection method: clinical testing. Allele origin: germline. Affected: yes. Observed: 1 variant allele.
Comment: PLXNA3: BP4, BP7

PreventionGenetics, part of Exact Sciences
Classification: Likely benign for PLXNA3-related condition. Last evaluated: 2021-07-01. Review status: no assertion criteria provided. Collection method: clinical testing. Allele origin: germline. Not counted in ClinVar's aggregate classification.
Comment: This variant is classified as likely benign based on ACMG/AMP sequence variant interpretation guidelines (Richards et al. 2015 PMID: 25741868, with internal and published modifications).

NM_017514.5(PLXNA3):c.3459C>T (p.Pro1153=)

Gene: PLXNA3 (plexin A3; plus strand). Cytogenetic location: Xq28.
Variant type: single nucleotide variant.
Coding change: c.3459C>T on transcript NM_017514.5 (MANE Select); coding-DNA position 3459, C replaced by T.
Protein change: p.Pro1153=; no amino-acid change (proline 1153 retained).
Molecular consequence: synonymous variant.
Genome position (GRCh38, 1-based): chrX:154,467,562, C>T. VCF-style: chrX-154467562-C-T. GRCh37 (hg19) VCF-style: chrX-153695905-C-T.
Identifiers: ClinVar variation 2661839 (VCV002661839.24), dbSNP rs782092046, ClinGen allele CA10564634.